The following is an entry in ClinVar:

NM_001128148.3(TFRC):c.1166T>C (p.Ile389Thr)

Gene: TFRC (transferrin receptor; minus strand). Cytogenetic location: 3q29.
Variant type: single nucleotide variant.
Coding change: c.1166T>C on transcript NM_001128148.3 (MANE Select); coding-DNA position 1166, T replaced by C.
Protein change: p.Ile389Thr; replaces isoleucine 389 with threonine.
Molecular consequence: missense variant.
Genome position (GRCh38, 1-based): chr3:196,065,475, A>G on the plus strand (T>C on the coding strand, the complement: TFRC is on the minus strand). VCF-style: chr3-196065475-A-G. GRCh37 (hg19) VCF-style: chr3-195792346-A-G.
Other names: c.923T>C, p.Ile308Thr (NM_001313965.2); c.320T>C, p.Ile107Thr (NM_001313966.2); c.1166T>C, p.Ile389Thr (NM_003234.4); short protein forms I389T, I107T, I308T.
Identifiers: ClinVar variation 2789767 (VCV002789767.3), dbSNP rs2473967489, ClinGen allele CA355572314.
Genomic context (GRCh38, chr3:196,065,475, plus strand): 5'-GGCGGGGGGGGGGGGGGGCGGTCTTTACCTGGTTCTACAAAGCCTTTAATAACTCCAAAG[A>G]TGTTAAGAATTTTTATCTCTTTCAGCACATTGCTCACAGTGAGCTTCACATTCTTGCTTT-3'
Protein context (NP_001121620.1, residues 379-399): NVLKEIKILN[Ile389Thr]FGVIKGFVEP

ClinVar aggregate classification (germline): Uncertain significance (1 of 4 stars; one submission).

Allele frequency attached by ClinVar (database versions not stated): gnomAD exomes below 0.00001.
gnomAD v4.1: 2 of 1,497,678 alleles (0.00013%); highest among the groups gnomAD compares: Non-Finnish European, 0.00018%; no homozygotes.

Submission:

Labcorp Genetics (formerly Invitae), Labcorp
Classification: Uncertain significance. Last evaluated: 2023-03-20. Review status: criteria provided, single submitter. Criteria: Invitae Variant Classification Sherloc (09022015). Collection method: clinical testing. Allele origin: germline.
Comment: This sequence change replaces isoleucine, which is neutral and non-polar, with threonine, which is neutral and polar, at codon 389 of the TFRC protein (p.Ile389Thr). This variant is not present in population databases (gnomAD no frequency). This variant has not been reported in the literature in individuals affected with TFRC-related conditions. Advanced modeling of protein sequence and biophysical properties (such as structural, functional, and spatial information, amino acid conservation, physicochemical variation, residue mobility, and thermodynamic stability) performed at Invitae indicates that this missense variant is not expected to disrupt TFRC protein function. In summary, the available evidence is currently insufficient to determine the role of this variant in disease. Therefore, it has been classified as a Variant of Uncertain Significance.